The following is an entry in ClinVar:

ClinVar aggregate classification (germline): Conflicting classifications of pathogenicity. Review status: criteria provided, conflicting classifications (1 of 4 stars). 2 submissions from 2 submitters: Pathogenic (1); Uncertain significance (1). Last evaluated 2025-01-07.

Conditions:
Severe early-onset pulmonary alveolar proteinosis due to MARS deficiency. Also called: PULMONARY ALVEOLAR PROTEINOSIS, REUNION ISLAND; Interstitial lung and liver disease. Identifiers: Orphanet 440427, MedGen C4225400, MONDO:0014206, OMIM 615486.
Charcot-Marie-Tooth disease axonal type 2U. Also called: CHARCOT-MARIE-TOOTH NEUROPATHY, TYPE 2U; CHARCOT-MARIE-TOOTH DISEASE, AXONAL, AUTOSOMAL DOMINANT, TYPE 2U. Identifiers: Orphanet 397735, MedGen C4084821, MONDO:0014566, OMIM 616280.

Allele frequency attached by ClinVar (database versions not stated): gnomAD exomes 0.00001.
gnomAD v4.1: 12 of 1,611,420 alleles (0.00074%); highest among the groups gnomAD compares: Admixed American, 0.005%; no homozygotes.

Submissions (2):

Labcorp Genetics (formerly Invitae), Labcorp
Classification: Uncertain significance for Charcot-Marie-Tooth disease axonal type 2U; Severe early-onset pulmonary alveolar proteinosis due to MARS deficiency. Last evaluated: 2025-01-07. Review status: criteria provided, single submitter. Criteria: Invitae Variant Classification Sherloc (09022015). Collection method: clinical testing. Allele origin: germline.
Comment: This sequence change falls in intron 18 of the MARS gene. It does not directly change the encoded amino acid sequence of the MARS protein. It affects a nucleotide within the consensus splice site. The frequency data for this variant in the population databases is considered unreliable, as metrics indicate poor data quality at this position in the gnomAD database. This variant has been observed in individual(s) with MARS-related conditions (PMID: 34983064). ClinVar contains an entry for this variant (Variation ID: 989146). Variants that disrupt the consensus splice site are a relatively common cause of aberrant splicing (PMID: 17576681, 9536098). Algorithms developed to predict the effect of sequence changes on RNA splicing suggest that this variant may disrupt the consensus splice site. In summary, the available evidence is currently insufficient to determine the role of this variant in disease. Therefore, it has been classified as a Variant of Uncertain Significance.

Paris Brain Institute, Inserm - ICM
Classification: Pathogenic for Charcot-Marie-Tooth disease axonal type 2U. Review status: criteria provided, single submitter. Criteria: ACMG Guidelines, 2015. Collection method: clinical testing. Allele origin: unknown. Affected: yes. Observed: 1 variant allele.

Literature cited by the submitters: PubMed 34983064 (cited by Labcorp Genetics (formerly Invitae), Labcorp); PubMed 17576681 (cited by Labcorp Genetics (formerly Invitae), Labcorp); PubMed 9536098 (cited by Labcorp Genetics (formerly Invitae), Labcorp).

NM_004990.4(MARS1):c.2391+3A>G

Gene: MARS1 (methionyl-tRNA synthetase 1; plus strand). Cytogenetic location: 12q13.3.
Variant type: single nucleotide variant.
Coding change: c.2391+3A>G on transcript NM_004990.4 (MANE Select); 3 bases into the intron after coding-DNA position 2391, A replaced by G.
Molecular consequence: intron variant.
Genome position (GRCh38, 1-based): chr12:57,515,339, A>G. VCF-style: chr12-57515339-A-G. GRCh37 (hg19) VCF-style: chr12-57909122-A-G.
Identifiers: ClinVar variation 989146 (VCV000989146.7), dbSNP rs995030286, ClinGen allele CA237772790.
Genomic context (GRCh38, chr12:57,515,339, plus strand): 5'-CAGTATCCTGCTGACAAACTTCCTGTGTACCTTACCAGCAGGACACCAGATTGGCACAGT[A>G]GGTGGAAGAGCCAGCCTCTCTTAAAATTGATACTCTTGCCATGCAGCTTTTGGAGTGGGT-3'